The following is an entry in ClinVar:

ClinVar aggregate classification (germline): Uncertain significance (1 of 4 stars; one submission).

Conditions:
Amyotrophic lateral sclerosis type 6. Also called: FUS-Related Amyotrophic Laterial Sclerosis; AMYOTROPHIC LATERAL SCLEROSIS 6 WITHOUT FRONTOTEMPORAL DEMENTIA; Amyotrophic lateral sclerosis 6, with or without frontotemporal dementia. Identifiers: Orphanet 275872, Orphanet 803, MedGen C2931786, MONDO:0011951, OMIM 608030.
Tremor, hereditary essential, 4 (ETM4). Identifiers: MedGen C3539195, MONDO:0013888, OMIM 614782.

Allele frequency attached by ClinVar (database versions not stated): gnomAD 0.00001; TOPMed 0.00001; gnomAD exomes 0.00002.
gnomAD v4.1: 25 of 1,610,738 alleles (0.0016%); highest among the groups gnomAD compares: Non-Finnish European, 0.002%; no homozygotes.

Submission:

Labcorp Genetics (formerly Invitae), Labcorp
Classification: Uncertain significance for Tremor, hereditary essential, 4; Amyotrophic lateral sclerosis type 6. Last evaluated: 2023-03-07. Review status: criteria provided, single submitter. Criteria: Invitae Variant Classification Sherloc (09022015). Collection method: clinical testing. Allele origin: germline.
Comment: Experimental studies and prediction algorithms are not available or were not evaluated, and the functional significance of this variant is currently unknown. This variant has not been reported in the literature in individuals affected with FUS-related conditions. This variant is not present in population databases (gnomAD no frequency). This sequence change replaces arginine, which is basic and polar, with histidine, which is basic and polar, at codon 244 of the FUS protein (p.Arg244His). In summary, the available evidence is currently insufficient to determine the role of this variant in disease. Therefore, it has been classified as a Variant of Uncertain Significance.

NM_004960.4(FUS):c.731G>A (p.Arg244His)

Gene: FUS (FUS RNA binding protein; plus strand). Cytogenetic location: 16p11.2.
Variant type: single nucleotide variant.
Coding change: c.731G>A on transcript NM_004960.4 (MANE Select); coding-DNA position 731, G replaced by A.
Protein change: p.Arg244His; replaces arginine 244 with histidine.
Molecular consequence: missense variant. On other transcripts: non-coding transcript variant (1).
Genome position (GRCh38, 1-based): chr16:31,185,146, G>A. VCF-style: chr16-31185146-G-A. GRCh37 (hg19) VCF-style: chr16-31196467-G-A.
Other names: c.728G>A, p.Arg243His (NM_001170634.1); c.719G>A, p.Arg240His (NM_001170937.1); short protein forms R240H, R243H, R244H.
Identifiers: ClinVar variation 2931593 (VCV002931593.3), dbSNP rs1019507445, ClinGen allele CA280594935.
Genomic context (GRCh38, chr16:31,185,146, plus strand): 5'-GCGGCGGCGGCGGCGGTGGTGGTTACAACCGCAGCAGTGGTGGCTATGAACCCAGAGGTC[G>A]TGGAGGTGGCCGTGGAGGCAGAGGTGGCATGGGGTAGGTGTCTCATGAGCCAGGGAGTAT-3'
Protein context (NP_004951.1, residues 234-254): RSSGGYEPRG[Arg244His]GGGRGGRGGM